The following is an entry in ClinVar:

NM_014804.3(KIAA0753):c.1491G>T (p.Val497=)

Gene: KIAA0753 (KIAA0753; minus strand). Cytogenetic location: 17p13.1.
Variant type: single nucleotide variant.
Coding change: c.1491G>T on transcript NM_014804.3 (MANE Select); coding-DNA position 1491, G replaced by T.
Protein change: p.Val497=; no amino-acid change (valine 497 retained).
Molecular consequence: synonymous variant.
Genome position (GRCh38, 1-based): chr17:6,611,973, C>A on the plus strand (G>T on the coding strand, the complement: KIAA0753 is on the minus strand). VCF-style: chr17-6611973-C-A. GRCh37 (hg19) VCF-style: chr17-6515293-C-A.
Other names: c.594G>T, p.Val198= (NM_001351225.2).
Identifiers: ClinVar variation 737849 (VCV000737849.23), dbSNP rs766621242, ClinGen allele CA8330471.

ClinVar aggregate classification (germline): Benign/Likely benign. Review status: criteria provided, multiple submitters, no conflicts (2 of 4 stars). 3 submissions from 3 submitters: Benign (1); Likely benign (2). Last evaluated 2024-11-01.

Allele frequency attached by ClinVar (database versions not stated): TOPMed 0.00009; gnomAD 0.00013; gnomAD exomes 0.00048; ExAC 0.00063.
gnomAD v4.1: 370 of 1,613,988 alleles (0.023%); highest among the groups gnomAD compares: Non-Finnish European, 0.017%; no homozygotes.

Submissions (3):

CeGaT Center for Human Genetics Tuebingen
Classification: Likely benign. Last evaluated: 2024-11-01. Review status: criteria provided, single submitter. Criteria: CeGaT Center For Human Genetics Tuebingen Variant Classification Criteria Version 2. Collection method: clinical testing. Allele origin: germline. Affected: yes. Observed: 1 variant allele.
Comment: KIAA0753: BP4, BP7

Blueprint Genetics
Classification: Likely benign. Last evaluated: 2024-10-24. Review status: criteria provided, single submitter. Criteria: ACMG Guidelines, 2015. Collection method: clinical testing. Allele origin: germline.

Labcorp Genetics (formerly Invitae), Labcorp
Classification: Benign. Last evaluated: 2024-03-12. Review status: criteria provided, single submitter. Criteria: Invitae Variant Classification Sherloc (09022015). Collection method: clinical testing. Allele origin: germline.